The following is an entry in ClinVar:

ClinVar aggregate classification (germline): Likely benign. Review status: criteria provided, multiple submitters, no conflicts (2 of 4 stars). 2 submissions from 2 submitters: Likely benign (2). Last evaluated 2026-08-07.

Conditions:
ADGRV1-related disorder. Also called: ADGRV1-related condition; ADGRV1-related disorders.

Submissions (2):

PreventionGenetics, part of Exact Sciences
Classification: Likely benign for ADGRV1-related condition. Last evaluated: 2026-08-07. Review status: criteria provided, single submitter. Criteria: ACMG Guidelines, 2015. Collection method: clinical testing. Allele origin: germline.
Comment: This variant is classified as likely benign based on ACMG/AMP sequence variant interpretation guidelines (Richards et al. 2015 PMID: 25741868, with internal and published modifications).

Labcorp Genetics (formerly Invitae), Labcorp
Classification: Likely benign. Last evaluated: 2026-02-04. Review status: criteria provided, single submitter. Criteria: Invitae Variant Classification Sherloc (09022015). Collection method: clinical testing. Allele origin: germline.

NM_032119.4(ADGRV1):c.8730+9_8730+11del

Gene: ADGRV1 (adhesion G protein-coupled receptor V1; plus strand). Cytogenetic location: 5q14.3.
Variant type: Deletion.
Coding change: c.8730+9_8730+11del on transcript NM_032119.4 (MANE Select); bases 9 to 11 of the intron after coding-DNA position 8730, 3 bases deleted (CTT; older notation c.8730+9_8730+11delCTT).
Molecular consequence: intron variant.
Genome position (GRCh38, 1-based): chr5:90,706,403-90,706,405, CTT deleted; deleting any 3 consecutive bases within chr5:90,706,402-90,706,405 gives the same sequence; the c. name uses the placement nearest the transcript's 3' end. VCF-style (leftmost placement, unchanged base first): chr5-90706401-CTCT-C. GRCh37 (hg19) VCF-style: chr5-90002218-CTCT-C.
Other names: c.8730+9_8730+11delCTT (NM_032119.3).
Identifiers: ClinVar variation 1564525 (VCV001564525.9), dbSNP rs768915566, ClinGen allele CA3340322.